The following is an entry in ClinVar:

ClinVar aggregate classification (germline): Conflicting classifications of pathogenicity. Review status: criteria provided, conflicting classifications (1 of 4 stars). 2 submissions from 2 submitters: Uncertain significance (1); Likely benign (1). Last evaluated 2022-11-21.

Conditions:
Severe combined immunodeficiency due to IKK2 deficiency. Also called: IMMUNODEFICIENCY 15B; Immunodeficiency 15. Identifiers: Orphanet 397787, MedGen C4747743, MONDO:0014267, OMIM 615592.

Allele frequency attached by ClinVar (database versions not stated): gnomAD exomes below 0.00001.
gnomAD v4.1: 2 of 1,613,672 alleles (0.00012%); highest among the groups gnomAD compares: Non-Finnish European, 0.000085%; no homozygotes.

Submissions (2):

Blueprint Genetics
Classification: Likely benign. Last evaluated: 2022-11-21. Review status: criteria provided, single submitter. Criteria: ACMG Guidelines, 2015. Collection method: clinical testing. Allele origin: germline.

Labcorp Genetics (formerly Invitae), Labcorp
Classification: Uncertain significance for Severe combined immunodeficiency due to IKK2 deficiency. Last evaluated: 2022-03-23. Review status: criteria provided, single submitter. Criteria: Invitae Variant Classification Sherloc (09022015). Collection method: clinical testing. Allele origin: germline.
Comment: This sequence change falls in intron 13 of the IKBKB gene. It does not directly change the encoded amino acid sequence of the IKBKB protein. This variant is present in population databases (rs201330290, gnomAD 0.0009%). In summary, the available evidence is currently insufficient to determine the role of this variant in disease. Therefore, it has been classified as a Variant of Uncertain Significance. Algorithms developed to predict the effect of sequence changes on RNA splicing suggest that this variant may disrupt the consensus splice site. This variant has not been reported in the literature in individuals affected with IKBKB-related conditions.

NM_001556.3(IKBKB):c.1365-14T>C

Gene: IKBKB (inhibitor of nuclear factor kappa B kinase subunit beta; plus strand). Cytogenetic location: 8p11.21.
Variant type: single nucleotide variant.
Coding change: c.1365-14T>C on transcript NM_001556.3 (MANE Select); 14 bases into the intron before coding-DNA position 1365, T replaced by C.
Molecular consequence: intron variant.
Genome position (GRCh38, 1-based): chr8:42,319,256, T>C. VCF-style: chr8-42319256-T-C. GRCh37 (hg19) VCF-style: chr8-42176774-T-C.
Other names: c.1188-14T>C (NM_001242778.2); c.1173-14T>C (NM_001190720.3).
Identifiers: ClinVar variation 2415315 (VCV002415315.9), dbSNP rs201330290, ClinGen allele CA175971248.
Genomic context (GRCh38, chr8:42,319,256, plus strand): 5'-GGTTTTGTTATTGTACAGGAAATGGAATTTGGATCCCAGAGATGCTCCAAGACTGTTCCT[T>C]GTGGTCCCTGCAGGATGAATCTCCTCCGAAACAACAGCTGCCTCTCCAAAATGAAGAATT-3'